The following is an entry in ClinVar:

ClinVar aggregate classification (germline): Uncertain significance. Review status: criteria provided, multiple submitters, no conflicts (2 of 4 stars). 2 submissions from 2 submitters: Uncertain significance (2). Last evaluated 2023-09-26.

Conditions:
Hereditary cancer-predisposing syndrome. Also called: Neoplastic Syndromes, Hereditary; Tumor predisposition; Hereditary Cancer Syndrome; Hereditary neoplastic syndrome. Identifiers: Orphanet 140162, MedGen C0027672, MeSH D009386, MONDO:0015356.
Haddad syndrome (OHD). Also called: Ondine-Hirschsprung disease. Identifiers: Orphanet 99803, MedGen C1859049, MONDO:0020493.

Submissions (2):

Labcorp Genetics (formerly Invitae), Labcorp
Classification: Uncertain significance for Haddad syndrome. Last evaluated: 2023-09-26. Review status: criteria provided, single submitter. Criteria: Invitae Variant Classification Sherloc (09022015). Collection method: clinical testing. Allele origin: germline.
Comment: ClinVar contains an entry for this variant (Variation ID: 1755381). In summary, the available evidence is currently insufficient to determine the role of this variant in disease. Therefore, it has been classified as a Variant of Uncertain Significance. Advanced modeling of protein sequence and biophysical properties (such as structural, functional, and spatial information, amino acid conservation, physicochemical variation, residue mobility, and thermodynamic stability) performed at Invitae indicates that this missense variant is not expected to disrupt PHOX2B protein function. This variant has not been reported in the literature in individuals affected with PHOX2B-related conditions. This variant is not present in population databases (gnomAD no frequency). This sequence change replaces alanine, which is neutral and non-polar, with glycine, which is neutral and non-polar, at codon 226 of the PHOX2B protein (p.Ala226Gly).

Ambry Genetics
Classification: Uncertain significance for Hereditary cancer-predisposing syndrome. Last evaluated: 2020-03-04. Review status: criteria provided, single submitter. Criteria: Ambry Variant Classification Scheme 2023. Collection method: clinical testing. Allele origin: germline.
Comment: The p.A226G variant (also known as c.677C>G), located in coding exon 3 of the PHOX2B gene, results from a C to G substitution at nucleotide position 677. The alanine at codon 226 is replaced by glycine, an amino acid with similar properties. This amino acid position is not well conserved in available vertebrate species. In addition, this alteration is predicted to be tolerated by in silico analysis. Since supporting evidence is limited at this time, the clinical significance of this alteration remains unclear.

NM_003924.4(PHOX2B):c.677C>G (p.Ala226Gly)

Gene: PHOX2B (paired like homeobox 2B; minus strand). Cytogenetic location: 4p13.
Variant type: single nucleotide variant.
Coding change: c.677C>G on transcript NM_003924.4 (MANE Select); coding-DNA position 677, C replaced by G.
Protein change: p.Ala226Gly; replaces alanine 226 with glycine.
Molecular consequence: missense variant.
Genome position (GRCh38, 1-based): chr4:41,746,075, G>C on the plus strand (C>G on the coding strand, the complement: PHOX2B is on the minus strand). VCF-style: chr4-41746075-G-C. GRCh37 (hg19) VCF-style: chr4-41748092-G-C.
Other names: short protein forms A226G.
Identifiers: ClinVar variation 1755381 (VCV001755381.5), dbSNP rs926554947, ClinGen allele CA356737425.